The following is an entry in ClinVar:

NM_198253.3(TERT):c.1292C>T (p.Pro431Leu)

Gene: TERT (telomerase reverse transcriptase; minus strand). Cytogenetic location: 5p15.33.
Variant type: single nucleotide variant.
Coding change: c.1292C>T on transcript NM_198253.3 (MANE Select); coding-DNA position 1292, C replaced by T.
Protein change: p.Pro431Leu; replaces proline 431 with leucine.
Molecular consequence: missense variant. On other transcripts: non-coding transcript variant (2).
Genome position (GRCh38, 1-based): chr5:1,293,594, G>A on the plus strand (C>T on the coding strand, the complement: TERT is on the minus strand). VCF-style: chr5-1293594-G-A. GRCh37 (hg19) VCF-style: chr5-1293709-G-A.
Other names: c.1292C>T, p.Pro431Leu (NM_001193376.3); short protein forms P431L.
Identifiers: ClinVar variation 936593 (VCV000936593.11), dbSNP rs1164823749, ClinGen allele CA359086349.
Genomic context (GRCh38, chr5:1,293,594, plus strand): 5'-AGCTGCACCAGGCGACGGGGGTCTGTGTCCTCCTCCTCGGGGGCCGCCACAGAGCCCTGG[G>A]GCTTCTCCCGGGCACAGACACCGGCTGCTGGGGTGACCGCAGCTCGCAGCGGGCAGTGCG-3'
Protein context (NP_937983.2, residues 421-441): PAAGVCAREK[Pro431Leu]QGSVAAPEEE

ClinVar aggregate classification (germline): Conflicting classifications of pathogenicity. Review status: criteria provided, conflicting classifications (1 of 4 stars). 2 submissions from 2 submitters: Uncertain significance (1); Likely benign (1). Last evaluated 2025-06-12.

Conditions:
Idiopathic Pulmonary Fibrosis. Also called: Idiopathic fibrosing alveolitis, chronic form; idiopathic fibrosing alveolitis. Identifiers: Orphanet 2032, MedGen C1800706, MeSH D054990, MONDO:0800504.
Dyskeratosis congenita, autosomal dominant 2. Identifiers: MedGen C3151443, MONDO:0013521, OMIM 613989.
Dyskeratosis congenita. Identifiers: Orphanet 1775, MedGen C0265965, MONDO:0015780.

Allele frequency attached by ClinVar (database versions not stated): gnomAD exomes below 0.00001 and 0.00001; gnomAD 0.00001; TOPMed 0.00002.
gnomAD v4.1: 2 of 1,547,842 alleles (0.00013%); highest among the groups gnomAD compares: African/African-American, 0.0027%; no homozygotes.

Submissions (2):

Labcorp Genetics (formerly Invitae), Labcorp
Classification: Likely benign for Dyskeratosis congenita, autosomal dominant 2; Idiopathic Pulmonary Fibrosis. Last evaluated: 2025-06-12. Review status: criteria provided, single submitter. Criteria: Invitae Variant Classification Sherloc (09022015). Collection method: clinical testing. Allele origin: germline.

Ambry Genetics
Classification: Uncertain significance for Dyskeratosis congenita. Last evaluated: 2025-05-30. Review status: criteria provided, single submitter. Criteria: Ambry Variant Classification Scheme 2023. Collection method: clinical testing. Allele origin: germline.
Comment: The p.P431L variant (also known as c.1292C>T), located in coding exon 2 of the TERT gene, results from a C to T substitution at nucleotide position 1292. The proline at codon 431 is replaced by leucine, an amino acid with similar properties. This amino acid position is conserved. In addition, this alteration is predicted to be tolerated by in silico analysis. Since supporting evidence is limited at this time, the clinical significance of this alteration remains unclear.